The following is an entry in ClinVar:

NM_000368.5(TSC1):c.489A>T (p.Ser163=)

Gene: TSC1 (TSC complex subunit 1; minus strand). Cytogenetic location: 9q34.13.
Variant type: single nucleotide variant.
Coding change: c.489A>T on transcript NM_000368.5 (MANE Select); coding-DNA position 489, A replaced by T.
Protein change: p.Ser163=; no amino-acid change (serine 163 retained).
Molecular consequence: synonymous variant.
Genome position (GRCh38, 1-based): chr9:132,923,367, T>A on the plus strand (A>T on the coding strand, the complement: TSC1 is on the minus strand). VCF-style: chr9-132923367-T-A. GRCh37 (hg19) VCF-style: chr9-135798754-T-A.
Other names: c.489A>T, p.Ser163= (NM_001162426.2); c.336A>T, p.Ser112= (NM_001162427.2); c.126A>T, p.Ser42= (NM_001362177.2).
Identifiers: ClinVar variation 49045 (VCV000049045.13), dbSNP rs118203386, ClinGen allele CA007629.

ClinVar aggregate classification (germline): Benign/Likely benign. Review status: criteria provided, multiple submitters, no conflicts (2 of 4 stars). 5 submissions from 5 submitters: Benign (1); Likely benign (3). 1 of the submissions does not count toward it. Last evaluated 2025-08-22.

Conditions:
Hereditary cancer-predisposing syndrome. Also called: Neoplastic Syndromes, Hereditary; Tumor predisposition; Hereditary Cancer Syndrome; Hereditary neoplastic syndrome. Identifiers: Orphanet 140162, MedGen C0027672, MeSH D009386, MONDO:0015356.
Malignant tumor of urinary bladder. Also called: Bladder cancer; Urinary bladder cancer; Urinary Bladder Neoplasms. Identifiers: MedGen C0005684, MONDO:0001187, OMIM 109800.
Tuberous sclerosis 1 (TSC1). Identifiers: Orphanet 805, MedGen C1854465, MONDO:0008612, OMIM 191100.
Tuberous sclerosis syndrome (TSC). Also called: Tuberous Sclerosis Complex; Tuberous sclerosis. Identifiers: Orphanet 805, MedGen C0041341, MONDO:0001734.

Allele frequency attached by ClinVar (database versions not stated): TOPMed 0.00001.

Submissions (5):

Color Diagnostics, LLC DBA Color Health
Classification: Likely benign for Tuberous sclerosis syndrome. Last evaluated: 2025-08-22. Review status: criteria provided, single submitter. Criteria: ACMG Guidelines, 2015. Collection method: clinical testing. Allele origin: germline.

Myriad Genetics, Inc.
Classification: Benign for Tuberous sclerosis 1. Last evaluated: 2025-04-08. Review status: criteria provided, single submitter. Criteria: Myriad Autosomal Dominant, Autosomal Recessive and X-Linked Classification Criteria (2023). Collection method: clinical testing. Allele origin: unknown.
Comment: This variant is considered benign. This variant is a silent/synonymous amino acid change and it is not expected to impact splicing.

Labcorp Genetics (formerly Invitae), Labcorp
Classification: Likely benign for Tuberous sclerosis 1. Last evaluated: 2024-02-23. Review status: criteria provided, single submitter. Criteria: Invitae Variant Classification Sherloc (09022015). Collection method: clinical testing. Allele origin: germline.

Ambry Genetics
Classification: Likely benign for Hereditary cancer-predisposing syndrome. Last evaluated: 2023-03-19. Review status: criteria provided, single submitter. Criteria: Ambry Variant Classification Scheme 2023. Collection method: clinical testing. Allele origin: germline.

Tuberous sclerosis database (TSC1)
No classification provided. Condition: Bladder cancer. Review status: no classification provided. Criteria: Tuberous Sclerosis Database Assertion Criteria 2015. Collection method: curation. Allele origin: germline. Affected: yes. Not counted in ClinVar's aggregate classification.